The following is an entry in ClinVar:

NM_145064.3(STAC3):c.395A>G (p.Gln132Arg)

Gene: STAC3 (SH3 and cysteine rich domain 3; minus strand). Cytogenetic location: 12q13.3.
Variant type: single nucleotide variant.
Coding change: c.395A>G on transcript NM_145064.3 (MANE Select); coding-DNA position 395, A replaced by G.
Protein change: p.Gln132Arg; replaces glutamine 132 with arginine.
Molecular consequence: missense variant. On other transcripts: intron variant (1).
Genome position (GRCh38, 1-based): chr12:57,248,743, T>C on the plus strand (A>G on the coding strand, the complement: STAC3 is on the minus strand). VCF-style: chr12-57248743-T-C. GRCh37 (hg19) VCF-style: chr12-57642526-T-C.
Other names: c.278A>G, p.Gln93Arg (NM_001286256.2); c.-126-545A>G (NM_001286257.2); short protein forms Q132R, Q93R.
Identifiers: ClinVar variation 2185481 (VCV002185481.4), dbSNP rs2548120629, ClinGen allele CA385415917.

ClinVar aggregate classification (germline): Uncertain significance (1 of 4 stars; one submission).

Conditions:
Bailey-Bloch congenital myopathy (CMYO13). Also called: Native American myopathy; STAC3 disorder; Congenital myopathy 13. Identifiers: Orphanet 168572, MedGen C1850625, MONDO:0009722, OMIM 255995.

Submission:

Labcorp Genetics (formerly Invitae), Labcorp
Classification: Uncertain significance for Bailey-Bloch congenital myopathy. Last evaluated: 2022-06-18. Review status: criteria provided, single submitter. Criteria: Invitae Variant Classification Sherloc (09022015). Collection method: clinical testing. Allele origin: germline.
Comment: In summary, the available evidence is currently insufficient to determine the role of this variant in disease. Therefore, it has been classified as a Variant of Uncertain Significance. Algorithms developed to predict the effect of missense changes on protein structure and function are either unavailable or do not agree on the potential impact of this missense change (SIFT: "Deleterious"; PolyPhen-2: "Probably Damaging"; Align-GVGD: "Class C0"). This variant has not been reported in the literature in individuals affected with STAC3-related conditions. This variant is not present in population databases (gnomAD no frequency). This sequence change replaces glutamine, which is neutral and polar, with arginine, which is basic and polar, at codon 132 of the STAC3 protein (p.Gln132Arg).